The following is an entry in ClinVar:

NM_001031710.3(KLHL7):c.1258C>T (p.Arg420Cys)

Gene: KLHL7 (kelch like family member 7; plus strand). Cytogenetic location: 7p15.3.
Variant type: single nucleotide variant.
Coding change: c.1258C>T on transcript NM_001031710.3 (MANE Select); coding-DNA position 1258, C replaced by T.
Protein change: p.Arg420Cys; replaces arginine 420 with cysteine.
Molecular consequence: missense variant. On other transcripts: non-coding transcript variant (1).
Genome position (GRCh38, 1-based): chr7:23,167,916, C>T. VCF-style: chr7-23167916-C-T. GRCh37 (hg19) VCF-style: chr7-23207535-C-T.
Other names: KLHL7, ARG420CYS (rs780705654); c.1114C>T, p.Arg372Cys (NM_018846.5); short protein forms R420C, R372C.
Identifiers: ClinVar variation 226128 (VCV000226128.8), dbSNP rs780705654, ClinGen allele CA4186579.

ClinVar aggregate classification (germline): Conflicting classifications of pathogenicity. Review status: criteria provided, conflicting classifications (1 of 4 stars). 6 submissions from 6 submitters: Likely pathogenic (2); Uncertain significance (1). 3 of the submissions do not count toward it. Last evaluated 2025-03-06.

Conditions:
PERCHING syndrome (PERCHING). Also called: Cold-induced sweating syndrome 3. Identifiers: Orphanet 157820, Orphanet 603684, MedGen C4310742, MONDO:0014890, OMIM 617055.
Cold-induced sweating syndrome 1 (CISS1). Also called: CRLF1-Related Cold-Induced Sweating Syndrome including Crisponi Syndrome; CRISPONI/COLD-INDUCED SWEATING SYNDROME 1; MUSCLE CONTRACTIONS, TETANOFORM, WITH CHARACTERISTIC FACE, CAMPTODACTYLY, HYPERTHERMIA, AND SUDDEN DEATH; Crisponi syndrome. Identifiers: Orphanet 1545, Orphanet 157820, MedGen C1848947, MONDO:0010091, OMIM 272430.

Allele frequency attached by ClinVar (database versions not stated): TOPMed below 0.00001; gnomAD 0.00001.
gnomAD v4.1: 31 of 1,613,964 alleles (0.0019%); highest among the groups gnomAD compares: East Asian, 0.0045%; no homozygotes.

Submissions (6):

Labcorp Genetics (formerly Invitae), Labcorp
Classification: Uncertain significance. Last evaluated: 2025-03-06. Review status: criteria provided, single submitter. Criteria: Invitae Variant Classification Sherloc (09022015). Collection method: clinical testing. Allele origin: germline.
Comment: This sequence change replaces arginine, which is basic and polar, with cysteine, which is neutral and slightly polar, at codon 420 of the KLHL7 protein (p.Arg420Cys). This variant is present in population databases (rs780705654, gnomAD 0.006%). This missense change has been observed in individuals with autosomal recessive KLHL7-related conditions (PMID: 27392078, 31230720). ClinVar contains an entry for this variant (Variation ID: 226128). An algorithm developed to predict the effect of missense changes on protein structure and function (PolyPhen-2) suggests that this variant is likely to be disruptive. In summary, the available evidence is currently insufficient to determine the role of this variant in disease. Therefore, it has been classified as a Variant of Uncertain Significance.

Victorian Clinical Genetics Services, Murdoch Childrens Research Institute
Classification: Likely pathogenic for PERCHING syndrome. Last evaluated: 2023-12-21. Review status: criteria provided, single submitter. Criteria: ACMG Guidelines, 2015. Collection method: clinical testing. Allele origin: germline. Inheritance: Autosomal recessive inheritance. Affected: yes.
Comment: Based on the classification scheme VCGS_Germline_v1.3.4, this variant is classified as Likely Pathogenic. Following criteria are met: 0102 - Loss of function is a known mechanism of disease in this gene and is associated with PERCHING syndrome (MIM#617055), while dominant-negative is suggested for retinitis pigmentosa 42 (MIM#612943) (PMID: 21828050). (I) 0108 - This gene is associated with both recessive and dominant disease. Autosomal dominant retinitis pigmentosa 42 (MIM#612943) is caused by missense variants clustered within the BTD/BACK domains in the N-terminus of the protein, while autosomal recessive PERCHING syndrome (MIM#617055) is mostly associated with null variants or missense variants in the Kelch domains (PMID: 31953236, 30300710). (I) 0115 - Variants in this gene are known to have variable expressivity. Intra-familial variability has been reported (PMID: 30300710). (I) 0200 - Variant is predicted to result in a missense amino acid change from arginine to cysteine. (I) 0252 - This variant is homozygous. (I) 0304 - Variant is present in gnomAD <0.01 (2 heterozygotes, 0 homozygotes). (SP) 0309 - Multiple alternative amino acid changes at the same position have been observed in gnomAD (v2) (highest allele count: 7 heterozygotes, 0 homozygotes). (I) 0501 - Missense variant consistently predicted to be damaging by multiple in silico tools or highly conserved with a major amino acid change. (SP) 0600 - Variant is located in the annotated Kelch_1 motif domain (DECIPHER). (I) 0710 - Another missense variant comparable to the one identified in this case has inconclusive previous evidence for pathogenicity. This alternative change (p.(Arg420His)) has been reported once as a VUS (ClinVar). (I) 0802 - This variant has moderate previous evidence of pathogenicity in unrelated individuals. This variant has been reported as likely pathogenic (ClinVar), and observed in two homozygous individuals with syndromic arthrogryposis or crisponi syndrome (PMID: 27392078, PMID: 31230720). One of these individuals had additional homozygous variants in the HOXA11 and TNRC6C genes (PMID: 31230720). (SP) 0905 - No published segregation evidence has been identified for this variant. (I) 1010 - Functional evidence for this variant is inconclusive. Transfected HeLa cells have shown this variant results in similar subcellular localization and colocalization with CUL3 (PMID: 27392078). (I) 1102 - Strong phenotype match for this individual. (I) Legend: (SP) - Supporting pathogenic, (I) - Information, (SB) - Supporting benign

Institute of Medical Genetics and Applied Genomics, University Hospital Tübingen
Classification: Likely pathogenic. Last evaluated: 2020-10-23. Review status: criteria provided, single submitter. Criteria: ACMG Guidelines, 2015. Collection method: clinical testing. Allele origin: germline. Inheritance: Autosomal dominant inheritance. Affected: yes.

OMIM
Classification: Pathogenic for PERCHING SYNDROME. Last evaluated: 2020-01-09. Review status: no assertion criteria provided. Collection method: literature only. Allele origin: germline. Not counted in ClinVar's aggregate classification.

National Research Council, Institute of Genetics and Biomedical Research
Classification: Pathogenic for Cold-induced sweating syndrome 1. Last evaluated: 2016-01-01. Review status: no assertion criteria provided. Collection method: research. Allele origin: inherited. Affected: yes. Observed: 1 variant allele. Not counted in ClinVar's aggregate classification.

Lupski Lab, Baylor-Hopkins CMG, Baylor College of Medicine
Classification: Likely pathogenic for PERCHING syndrome. Review status: no assertion criteria provided. Collection method: research. Allele origin: inherited. Inheritance: Autosomal recessive inheritance. Affected: yes. Observed: 3 variant alleles, 2 heterozygotes, 1 homozygote. Not counted in ClinVar's aggregate classification.

Literature cited by the submitters: PubMed 27392078 (cited by 3 submitters); PubMed 31230720 (cited by Labcorp Genetics (formerly Invitae), Labcorp and Victorian Clinical Genetics Services, Murdoch Childrens Research Institute); PubMed 21828050 (cited by Victorian Clinical Genetics Services, Murdoch Childrens Research Institute); PubMed 30300710 (cited by Victorian Clinical Genetics Services, Murdoch Childrens Research Institute); PubMed 31953236 (cited by Victorian Clinical Genetics Services, Murdoch Childrens Research Institute).